The following is an entry in ClinVar:

ClinVar aggregate classification (germline): Uncertain significance. Review status: criteria provided, multiple submitters, no conflicts (2 of 4 stars). 2 submissions from 2 submitters: Uncertain significance (2). Last evaluated 2025-04-16.

Allele frequency attached by ClinVar (database versions not stated): gnomAD 0.00002 and 0.00003; gnomAD exomes 0.00002 and 0.00006; TOPMed 0.00002; ExAC 0.00008; ESP Exome Variant Server 0.00008; 1000 Genomes Project 0.00020; 1000 Genomes Project 30x 0.00031.
gnomAD v4.1: 35 of 1,613,354 alleles (0.0022%); highest among the groups gnomAD compares: East Asian, 0.02%; no homozygotes.

Submissions (2):

Labcorp Genetics (formerly Invitae), Labcorp
Classification: Uncertain significance. Last evaluated: 2025-04-16. Review status: criteria provided, single submitter. Criteria: Invitae Variant Classification Sherloc (09022015). Collection method: clinical testing. Allele origin: germline.
Comment: This sequence change replaces arginine, which is basic and polar, with glutamine, which is neutral and polar, at codon 76 of the CDH3 protein (p.Arg76Gln). This variant is present in population databases (rs374865506, gnomAD 0.04%). This variant has not been reported in the literature in individuals affected with CDH3-related conditions. ClinVar contains an entry for this variant (Variation ID: 1426060). An algorithm developed to predict the effect of missense changes on protein structure and function outputs the following: PolyPhen-2: "Benign". The glutamine amino acid residue is found in multiple mammalian species, which suggests that this missense change does not adversely affect protein function. In summary, the available evidence is currently insufficient to determine the role of this variant in disease. Therefore, it has been classified as a Variant of Uncertain Significance.

Blueprint Genetics
Classification: Uncertain significance. Last evaluated: 2018-11-13. Review status: criteria provided, single submitter. Criteria: ACMG Guidelines, 2015. Collection method: clinical testing. Allele origin: germline.

NM_001793.6(CDH3):c.227G>A (p.Arg76Gln)

Gene: CDH3 (cadherin 3; plus strand). Cytogenetic location: 16q22.1.
Variant type: single nucleotide variant.
Coding change: c.227G>A on transcript NM_001793.6 (MANE Select); coding-DNA position 227, G replaced by A.
Protein change: p.Arg76Gln; replaces arginine 76 with glutamine.
Molecular consequence: missense variant.
Genome position (GRCh38, 1-based): chr16:68,676,451, G>A. VCF-style: chr16-68676451-G-A. GRCh37 (hg19) VCF-style: chr16-68710354-G-A.
Other names: c.227G>A, p.Arg76Gln (NM_001317195.3); c.62G>A, p.Arg21Gln (NM_001317196.2); short protein forms R76Q, R21Q.
Identifiers: ClinVar variation 1426060 (VCV001426060.5), dbSNP rs374865506, ClinGen allele CA8128956.